The following is an entry in ClinVar:

ClinVar aggregate classification (germline): Uncertain significance (1 of 4 stars; one submission).

Submission:

GeneDx
Classification: Uncertain significance. Last evaluated: 2024-11-05. Review status: criteria provided, single submitter. Criteria: GeneDx Variant Classification Process June 2021. Collection method: clinical testing. Allele origin: germline. Affected: yes.
Comment: Not observed at significant frequency in large population cohorts (gnomAD); In silico analysis suggests this variant may impact gene splicing. In the absence of RNA/functional studies, the actual effect of this sequence change is unknown.; In silico analysis indicates that this missense variant does not alter protein structure/function; Has not been previously published as pathogenic or benign to our knowledge

NM_003074.4(SMARCC1):c.2362C>G (p.Gln788Glu)

Gene: SMARCC1 (SWI/SNF related BAF chromatin remodeling complex subunit C1; minus strand). Cytogenetic location: 3p21.31.
Variant type: single nucleotide variant.
Coding change: c.2362C>G on transcript NM_003074.4 (MANE Select); coding-DNA position 2362, C replaced by G.
Protein change: p.Gln788Glu; replaces glutamine 788 with glutamic acid.
Molecular consequence: missense variant.
Genome position (GRCh38, 1-based): chr3:47,638,739, G>C on the plus strand (C>G on the coding strand, the complement: SMARCC1 is on the minus strand). VCF-style: chr3-47638739-G-C. GRCh37 (hg19) VCF-style: chr3-47680229-G-C.
Other names: short protein forms Q788E.
Identifiers: ClinVar variation 3898947 (VCV003898947.1).
Genomic context (GRCh38, chr3:47,638,739, plus strand): 5'-GTCTGAAAGGCATGCTATCTGTGGTTTTACTGCTGTGAGACTTTACCTTTTCAGGCTGCT[G>C]ACCATCAGGGTCGGCTTCCATTTTTTCCTCTTCAGCTCCTTCTACAAGTAAAAGAATAAG-3'
Protein context (NP_003065.3, residues 778-798): EEKMEADPDG[Gln788Glu]QPEKAENKVE